The following is an entry in ClinVar:

ClinVar aggregate classification (germline): Pathogenic/Likely pathogenic. Review status: criteria provided, multiple submitters, no conflicts (2 of 4 stars). 4 submissions from 4 submitters: Pathogenic (2); Likely pathogenic (1). 1 of the submissions does not count toward it. Last evaluated 2024-02-01.

Conditions:
Autosomal recessive nonsyndromic hearing loss 1A (DFNB1A). Also called: GJB6-Related DFNB 1 Nonsyndromic Hearing Loss and Deafness; Deafness, autosomal recessive 1A; Connexin 26 deafness; Deafness nonsyndromic, Connexin 26 linked; GJB2-Related Autosomal Recessive Nonsyndromic Hearing Loss; Nonsyndromic Hearing Loss and Deafness, DFNB1. Identifiers: Orphanet 90636, MedGen C2673759, MONDO:0009076, OMIM 220290.
Nonsyndromic genetic hearing loss. Also called: Nonsyndromic genetic deafness; Nonsyndromic hearing loss and deafness; Non-syndromic genetic deafness. Identifiers: Orphanet 87884, MedGen C5680182, MONDO:0019497.

Submissions (4):

Labcorp Genetics (formerly Invitae), Labcorp
Classification: Pathogenic. Last evaluated: 2024-02-01. Review status: criteria provided, single submitter. Criteria: Invitae Variant Classification Sherloc (09022015). Collection method: clinical testing. Allele origin: germline.
Comment: This sequence change creates a premature translational stop signal (p.Ala78Glyfs*24) in the GJB2 gene. While this is not anticipated to result in nonsense mediated decay, it is expected to disrupt the last 149 amino acid(s) of the GJB2 protein. This variant is not present in population databases (gnomAD no frequency). This premature translational stop signal has been observed in individual(s) with clinical features of autosomal recessive deafness (PMID: 17666888, 31370293, 33096615). ClinVar contains an entry for this variant (Variation ID: 553568). This variant disrupts a region of the GJB2 protein in which other variant(s) (p.Cys211Leufs*5) have been determined to be pathogenic (PMID: 9529365, 12910486, 20863150). This suggests that this is a clinically significant region of the protein, and that variants that disrupt it are likely to be disease-causing. For these reasons, this variant has been classified as Pathogenic.

GeneDx
Classification: Likely pathogenic. Last evaluated: 2023-09-19. Review status: criteria provided, single submitter. Criteria: GeneDx Variant Classification Process June 2021. Collection method: clinical testing. Allele origin: germline. Affected: yes.
Comment: Frameshift variant predicted to result in protein truncation, as the last 149 amino acids are replaced with 23 different amino acids, and other loss-of-function variants have been reported downstream in HGMD; Not observed at significant frequency in large population cohorts (gnomAD); This variant is associated with the following publications: (PMID: 31589614, 17666888, 31370293, 33096615, 24158611)

INGEBI, INGEBI / CONICET
Classification: Pathogenic for Nonsyndromic hearing loss and deafness. Last evaluated: 2020-08-21. Review status: criteria provided, single submitter. Criteria: ClinGen HL ACMG Specifications v1. Collection method: clinical testing. Allele origin: germline. Inheritance: Autosomal recessive inheritance. Affected: yes. Observed: 1 variant allele.
Comment: Based on ACMG/AMP guidelines and Hearing Loss Expert Panel specific criteria: The c.232dupG (p.Ala78Glyfs*24) variant in the GJB2 is absent from population databases (gnomAD, GO-ESP, 1000 genomes) which meets the PM2 criteria. The c.232dupG variant is predicted to cause a premature stop codon in the only exon of GJB2 that leads to a truncated or absent protein in a gene in which loss-of-function is an established mechanism of disease (PVS1). This variant has been detected in trans with a pathogenic variant (p.Arg143Trp) in one hearing impaired individual applying to PM3 rule (PMID: 24158611). This variant meets criteria to be classified as pathogenic for autosomal recessive nonsyndromic hearing loss: PM2, PVS1, PM3.

Counsyl
Classification: Likely pathogenic for Autosomal recessive nonsyndromic hearing loss 1A. Last evaluated: 2017-08-30. Review status: no assertion criteria provided. Collection method: clinical testing. Allele origin: unknown. Not counted in ClinVar's aggregate classification.

Literature cited by the submitters: PubMed 17666888 (cited by Labcorp Genetics (formerly Invitae), Labcorp and Counsyl); PubMed 31370293 (cited by Labcorp Genetics (formerly Invitae), Labcorp); PubMed 33096615 (cited by Labcorp Genetics (formerly Invitae), Labcorp); PubMed 9529365 (cited by Labcorp Genetics (formerly Invitae), Labcorp); PubMed 12910486 (cited by Labcorp Genetics (formerly Invitae), Labcorp); PubMed 20863150 (cited by Labcorp Genetics (formerly Invitae), Labcorp); PubMed 24158611 (cited by INGEBI, INGEBI / CONICET and Counsyl).

NM_004004.6(GJB2):c.232dup (p.Ala78fs)

Gene: GJB2 (gap junction protein beta 2; minus strand). Cytogenetic location: 13q12.11.
Variant type: Duplication.
Coding change: c.232dup on transcript NM_004004.6 (MANE Select); coding-DNA position 232, one base duplicated (G; older notation c.232dupG).
Protein change: p.Ala78fs; shifts the reading frame from alanine 78.
Molecular consequence: frameshift variant.
Genome position (GRCh38, 1-based): chr13:20,189,350, C duplicated on the plus strand (G on the coding strand, the reverse complement: GJB2 is on the minus strand); the first of 3 consecutive C bases (chr13:20,189,350-20,189,352); duplicating any one gives the same sequence. VCF-style (leftmost placement, unchanged base first): chr13-20189349-G-GC. GRCh37 (hg19) VCF-style: chr13-20763488-G-GC.
Other names: c.232dupG (NM_004004.5, NM_004004.6); c.232dup (NM_004004.5); short protein forms A78fs.
Identifiers: ClinVar variation 553568 (VCV000553568.11), dbSNP rs1555341960, ClinGen allele CA658823475.
Genomic context (GRCh38, chr13:20,189,349, plus strand): 5'-CGGTAGGCCACGTGCATGGCCACTAGGAGCGCTGGCGTGGACACGAAGATCAGCTGCAGG[G>GC]CCCATAGCCGGATGTGGGAGATGGGGAAGTAGTGATCGTAGCACACGTTCTTGCAGCCTG-3'